The following is an entry in ClinVar:

ClinVar aggregate classification (germline): Uncertain significance (1 of 4 stars; one submission).

Conditions:
Fanconi anemia (FA). Also called: Fanconi's anemia. Identifiers: Orphanet 84, MedGen C0015625, MeSH D005199, MONDO:0019391.

gnomAD v4.1: 12 of 1,613,772 alleles (0.00074%); highest among the groups gnomAD compares: Non-Finnish European, 0.001%; no homozygotes.

Submission:

Labcorp Genetics (formerly Invitae), Labcorp
Classification: Uncertain significance for Fanconi anemia. Last evaluated: 2025-11-03. Review status: criteria provided, single submitter. Criteria: Invitae Variant Classification Sherloc (09022015). Collection method: clinical testing. Allele origin: germline.
Comment: This sequence change replaces glutamic acid, which is acidic and polar, with glycine, which is neutral and non-polar, at codon 1228 of the FANCI protein (p.Glu1228Gly). This variant is present in population databases (rs759370573, gnomAD 0.0009%). This variant has not been reported in the literature in individuals affected with FANCI-related conditions. An algorithm developed to predict the effect of missense changes on protein structure and function outputs the following: PolyPhen-2: "Benign". The glycine amino acid residue is found in multiple mammalian species, which suggests that this missense change does not adversely affect protein function. In summary, the available evidence is currently insufficient to determine the role of this variant in disease. Therefore, it has been classified as a Variant of Uncertain Significance.

NM_001113378.2(FANCI):c.3683A>G (p.Glu1228Gly)

Gene: FANCI (FA complementation group I; plus strand). Cytogenetic location: 15q26.1.
Variant type: single nucleotide variant.
Coding change: c.3683A>G on transcript NM_001113378.2 (MANE Select); coding-DNA position 3683, A replaced by G.
Protein change: p.Glu1228Gly; replaces glutamic acid 1228 with glycine.
Molecular consequence: missense variant.
Genome position (GRCh38, 1-based): chr15:89,312,935, A>G. VCF-style: chr15-89312935-A-G. GRCh37 (hg19) VCF-style: chr15-89856166-A-G.
Other names: c.3404A>G, p.Glu1135Gly (NM_001376910.1); c.3683A>G, p.Glu1228Gly (NM_001376911.1); c.3503A>G, p.Glu1168Gly (NM_018193.3); short protein forms E1168G, E1135G, E1228G.
Identifiers: ClinVar variation 4708062 (VCV004708062.1).